The following is an entry in ClinVar:

ClinVar aggregate classification (germline): Likely pathogenic (1 of 4 stars; one submission).

Conditions:
Hereditary spastic paraplegia 15 (SPG15). Also called: SPASTIC PARAPLEGIA 15, AUTOSOMAL RECESSIVE; KJELLIN SYNDROME; SPASTIC PARAPLEGIA AND RETINAL DEGENERATION. Identifiers: Orphanet 100996, MedGen C1849128, MONDO:0010044, OMIM 270700.

Allele frequency attached by ClinVar (database versions not stated): TOPMed below 0.00001.

Submission:

Myriad Genetics, Inc.
Classification: Likely pathogenic for Hereditary spastic paraplegia 15. Last evaluated: 2021-12-30. Review status: criteria provided, single submitter. Criteria: Myriad Women's Health Autosomal Recessive and X-Linked Classification Criteria (2021). Collection method: clinical testing. Allele origin: unknown.
Comment: NM_015346.3(ZFYVE26):c.237G>A(W79*) is expected to be pathogenic in the context of spastic paraplegia type 15. This variant is predicted to lead to an abnormal or absent protein product due to the creation of a premature termination codon in ZFYVE26, a gene where loss-of-function variants are known to be pathogenic. Please note: this variant was assessed in the context of healthy population screening.

NM_015346.4(ZFYVE26):c.237G>A (p.Trp79Ter)

Gene: ZFYVE26 (zinc finger FYVE-type containing 26; minus strand). Cytogenetic location: 14q24.1.
Variant type: single nucleotide variant.
Coding change: c.237G>A on transcript NM_015346.4 (MANE Select); coding-DNA position 237, G replaced by A.
Protein change: p.Trp79Ter; replaces tryptophan 79 with a stop codon.
Molecular consequence: nonsense.
Genome position (GRCh38, 1-based): chr14:67,814,022, C>T on the plus strand (G>A on the coding strand, the complement: ZFYVE26 is on the minus strand). VCF-style: chr14-67814022-C-T. GRCh37 (hg19) VCF-style: chr14-68280739-C-T.
Other names: short protein forms W79*.
Identifiers: ClinVar variation 1726655 (VCV001726655.2), dbSNP rs1399096076, ClinGen allele CA390163201.